The following is an entry in ClinVar:

ClinVar aggregate classification (germline): Likely pathogenic (1 of 4 stars; one submission).

Conditions:
Autosomal recessive nonsyndromic hearing loss 2. Also called: NEUROSENSORY NONSYNDROMIC RECESSIVE DEAFNESS 2; DEAFNESS, AUTOSOMAL RECESSIVE 2. Identifiers: Orphanet 90636, MedGen C1838701, MONDO:0010807, OMIM 600060.

Submission:

Institute of Rare Diseases, West China Hospital, Sichuan University
Classification: Likely pathogenic for Autosomal recessive nonsyndromic hearing loss 2. Last evaluated: 2025-01-09. Review status: criteria provided, single submitter. Criteria: ClinGen HL ACMG Specifications v1. Collection method: research. Allele origin: germline. Affected: yes.
Comment: PM3;PM5;PM2_Supporting;PP3

NM_000260.4(MYO7A):c.1372A>G (p.Asn458Asp)

Gene: MYO7A (myosin VIIA; plus strand). Cytogenetic location: 11q13.5.
Variant type: single nucleotide variant.
Coding change: c.1372A>G on transcript NM_000260.4 (MANE Select); coding-DNA position 1372, A replaced by G.
Protein change: p.Asn458Asp; replaces asparagine 458 with aspartic acid.
Molecular consequence: missense variant.
Genome position (GRCh38, 1-based): chr11:77,162,148, A>G. VCF-style: chr11-77162148-A-G. GRCh37 (hg19) VCF-style: chr11-76873194-A-G.
Other names: c.1372A>G, p.Asn458Asp (NM_001127180.2); c.1339A>G, p.Asn447Asp (NM_001369365.1); short protein forms N447D, N458D.
Identifiers: ClinVar variation 3601451 (VCV003601451.1).
Genomic context (GRCh38, chr11:77,162,148, plus strand): 5'-AACACCCTTACCCCATCCCTGTGCCCCTGCAGCTTTGAGCAGCTCTGCATCAACTTCGCC[A>G]ATGAGCACCTGCAGCAGTTCTTTGTGCGGCACGTGTTCAAGCTGGAGCAGGAGGAATATG-3'
Protein context (NP_000251.3, residues 448-468): SFEQLCINFA[Asn458Asp]EHLQQFFVRH